The following is an entry in ClinVar:

NM_003000.3(SDHB):c.263C>T (p.Thr88Ile)

Gene: SDHB (succinate dehydrogenase complex iron sulfur subunit B; minus strand). Cytogenetic location: 1p36.13.
Variant type: single nucleotide variant.
Coding change: c.263C>T on transcript NM_003000.3 (MANE Select); coding-DNA position 263, C replaced by T.
Protein change: p.Thr88Ile; replaces threonine 88 with isoleucine.
Molecular consequence: missense variant.
Genome position (GRCh38, 1-based): chr1:17,033,083, G>A on the plus strand (C>T on the coding strand, the complement: SDHB is on the minus strand). VCF-style: chr1-17033083-G-A. GRCh37 (hg19) VCF-style: chr1-17359578-G-A.
Other names: short protein forms T88I.
Identifiers: ClinVar variation 1016339 (VCV001016339.5), dbSNP rs915794675, ClinGen allele CA338276460.

ClinVar aggregate classification (germline): Uncertain significance (1 of 4 stars; one submission).

Conditions:
Pheochromocytoma/paraganglioma syndrome 4. Also called: CAROTID BODY TUMORS AND MULTIPLE EXTRAADRENAL PHEOCHROMOCYTOMAS; SDHB-Related Hereditary Paraganglioma-Pheochromocytoma Syndrome; Paragangliomas 4; SDHB-Related Hereditary Paraganglioma-Pheochromocytoma Syndrome (Paragangliomas 4); PARAGANGLIOMA, FAMILIAL MALIGNANT; PARAGANGLIOMAS, HEREDITARY EXTRAADRENAL. Identifiers: Orphanet 29072, MedGen C1861848, MONDO:0007273, OMIM 115310.
Gastrointestinal stromal tumor. Also called: Gastrointestinal stromal tumor, somatic; Gastrointestinal stroma tumor. Identifiers: Orphanet 44890, MedGen C0238198, MeSH D046152, MONDO:0011719, OMIM 606764, HP:0100723.
Pheochromocytoma. Also called: MAX-Related Hereditary Paraganglioma-Pheochromocytoma Syndrome. Identifiers: Orphanet 29072, MedGen C0031511, MONDO:0008233, OMIM 171300, HP:0002666.

Allele frequency attached by ClinVar (database versions not stated): gnomAD exomes below 0.00001.

Submission:

Labcorp Genetics (formerly Invitae), Labcorp
Classification: Uncertain significance for Gastrointestinal stromal tumor; Pheochromocytoma/paraganglioma syndrome 4; Pheochromocytoma. Last evaluated: 2020-02-29. Review status: criteria provided, single submitter. Criteria: Invitae Variant Classification Sherloc (09022015). Collection method: clinical testing. Allele origin: germline.
Comment: Algorithms developed to predict the effect of missense changes on protein structure and function (SIFT, PolyPhen-2, Align-GVGD) all suggest that this variant is likely to be disruptive, but these predictions have not been confirmed by published functional studies and their clinical significance is uncertain. This sequence change replaces threonine with isoleucine at codon 88 of the SDHB protein (p.Thr88Ile). The threonine residue is highly conserved and there is a moderate physicochemical difference between threonine and isoleucine. This variant is not present in population databases (ExAC no frequency). This variant has not been reported in the literature in individuals with SDHB-related conditions. In summary, the available evidence is currently insufficient to determine the role of this variant in disease. Therefore, it has been classified as a Variant of Uncertain Significance.